The following is an entry in ClinVar:

NM_001365536.1(SCN9A):c.5141A>C (p.Asp1714Ala)

Genes: SCN1A-AS1 (SCN1A and SCN9A antisense RNA 1; plus strand), SCN9A (sodium voltage-gated channel alpha subunit 9; minus strand). Cytogenetic location: 2q24.3.
Variant type: single nucleotide variant.
Coding change: c.5141A>C on transcript NM_001365536.1 (MANE Select); coding-DNA position 5141, A replaced by C.
Protein change: p.Asp1714Ala; replaces aspartic acid 1714 with alanine.
Molecular consequence: missense variant.
Genome position (GRCh38, 1-based): chr2:166,199,498, T>G on the plus strand (A>C on the coding strand, the complement: SCN9A is on the minus strand). VCF-style: chr2-166199498-T-G. GRCh37 (hg19) VCF-style: chr2-167056008-T-G.
Other names: c.5108A>C, p.Asp1703Ala (NM_002977.4); short protein forms D1703A, D1714A.
Identifiers: ClinVar variation 1014955 (VCV001014955.9), dbSNP rs938958211, ClinGen allele CA59783990.

ClinVar aggregate classification (germline): Uncertain significance (1 of 4 stars; one submission).

Conditions:
Generalized epilepsy with febrile seizures plus, type 7 (GEFSP7). Also called: GEFS+, TYPE 7. Identifiers: Orphanet 36387, MedGen C2751778, MONDO:0013470, OMIM 613863.
Neuropathy, hereditary sensory and autonomic, type 2A (HSAN2A). Also called: ACROOSTEOLYSIS, GIACCAI TYPE; ACROOSTEOLYSIS, NEUROGENIC; MORVAN DISEASE; NEUROPATHY, CONGENITAL SENSORY; NEUROPATHY, HEREDITARY SENSORY RADICULAR, AUTOSOMAL RECESSIVE; NEUROPATHY, HEREDITARY SENSORY, TYPE IIA. Identifiers: Orphanet 970, MedGen C2752089, MONDO:0024309, OMIM 201300.

Allele frequency attached by ClinVar (database versions not stated): gnomAD exomes below 0.00001 and 0.00002; TOPMed 0.00001.
gnomAD v4.1: 29 of 1,614,194 alleles (0.0018%); highest among the groups gnomAD compares: Non-Finnish European, 0.0025%; no homozygotes.

Submission:

Labcorp Genetics (formerly Invitae), Labcorp
Classification: Uncertain significance for Neuropathy, hereditary sensory and autonomic, type 2A; Generalized epilepsy with febrile seizures plus, type 7. Last evaluated: 2024-06-22. Review status: criteria provided, single submitter. Criteria: Invitae Variant Classification Sherloc (09022015). Collection method: clinical testing. Allele origin: germline.
Comment: This sequence change replaces aspartic acid, which is acidic and polar, with alanine, which is neutral and non-polar, at codon 1703 of the SCN9A protein (p.Asp1703Ala). This variant is present in population databases (no rsID available, gnomAD 0.0009%). This variant has not been reported in the literature in individuals affected with SCN9A-related conditions. ClinVar contains an entry for this variant (Variation ID: 1014955). Advanced modeling of protein sequence and biophysical properties (such as structural, functional, and spatial information, amino acid conservation, physicochemical variation, residue mobility, and thermodynamic stability) performed at Invitae indicates that this missense variant is not expected to disrupt SCN9A protein function with a negative predictive value of 80%. In summary, the available evidence is currently insufficient to determine the role of this variant in disease. Therefore, it has been classified as a Variant of Uncertain Significance.